The following is an entry in ClinVar:

ClinVar aggregate classification (germline): Uncertain significance. Review status: criteria provided, multiple submitters, no conflicts (2 of 4 stars). 2 submissions from 2 submitters: Uncertain significance (2). Last evaluated 2024-12-05.

Conditions:
Cardiovascular phenotype. Identifiers: MedGen CN230736.
Hereditary cancer-predisposing syndrome. Also called: Hereditary Cancer Syndrome; Hereditary neoplastic syndrome; Neoplastic Syndromes, Hereditary; Tumor predisposition. Identifiers: Orphanet 140162, MedGen C0027672, MeSH D009386, MONDO:0015356.

Allele frequency attached by ClinVar (database versions not stated): gnomAD exomes below 0.00001.

Submissions (2):

Ambry Genetics
Classification: Uncertain significance for Cardiovascular phenotype; Hereditary cancer-predisposing syndrome. Last evaluated: 2024-12-05. Review status: criteria provided, single submitter. Criteria: Ambry Variant Classification Scheme 2023. Collection method: clinical testing. Allele origin: germline.
Comment: The p.Y529C variant (also known as c.1586A>G), located in coding exon 14 of the LZTR1 gene, results from an A to G substitution at nucleotide position 1586. The tyrosine at codon 529 is replaced by cysteine, an amino acid with highly dissimilar properties. This amino acid position is highly conserved in available vertebrate species. In addition, this alteration is predicted to be deleterious by in silico analysis. Based on the available evidence, the clinical significance of this variant remains unclear.

Blueprint Genetics
Classification: Uncertain significance. Last evaluated: 2022-10-26. Review status: criteria provided, single submitter. Criteria: ACMG Guidelines, 2015. Collection method: clinical testing. Allele origin: germline.

NM_006767.4(LZTR1):c.1586A>G (p.Tyr529Cys)

Gene: LZTR1 (leucine zipper like post translational regulator 1; plus strand). Cytogenetic location: 22q11.21.
Variant type: single nucleotide variant.
Coding change: c.1586A>G on transcript NM_006767.4 (MANE Select); coding-DNA position 1586, A replaced by G.
Protein change: p.Tyr529Cys; replaces tyrosine 529 with cysteine.
Molecular consequence: missense variant.
Genome position (GRCh38, 1-based): chr22:20,994,240, A>G. VCF-style: chr22-20994240-A-G. GRCh37 (hg19) VCF-style: chr22-21348529-A-G.
Other names: short protein forms Y529C.
Identifiers: ClinVar variation 1775796 (VCV001775796.4), dbSNP rs1267756541, ClinGen allele CA410776141.